The following is an entry in ClinVar:

ClinVar aggregate classification (germline): Uncertain significance (1 of 4 stars; one submission).

Conditions:
Peroxisome biogenesis disorder 5A (Zellweger) (PBD5A). Identifiers: Orphanet 912, MedGen C3553940, MONDO:0013932, OMIM 614866.

Submission:

Labcorp Genetics (formerly Invitae), Labcorp
Classification: Uncertain significance for Peroxisome biogenesis disorder 5A (Zellweger). Last evaluated: 2021-08-19. Review status: criteria provided, single submitter. Criteria: Invitae Variant Classification Sherloc (09022015). Collection method: clinical testing. Allele origin: germline.
Comment: Algorithms developed to predict the effect of missense changes on protein structure and function (SIFT, PolyPhen-2, Align-GVGD) all suggest that this variant is likely to be tolerated. In summary, the available evidence is currently insufficient to determine the role of this variant in disease. Therefore, it has been classified as a Variant of Uncertain Significance. This variant has not been reported in the literature in individuals affected with PEX2-related conditions. This variant is not present in population databases (ExAC no frequency). This sequence change replaces methionine with isoleucine at codon 191 of the PEX2 protein (p.Met191Ile). The methionine residue is highly conserved and there is a small physicochemical difference between methionine and isoleucine.

NM_000318.3(PEX2):c.573G>C (p.Met191Ile)

Gene: PEX2 (peroxisomal biogenesis factor 2; minus strand). Cytogenetic location: 8q21.13.
Variant type: single nucleotide variant.
Coding change: c.573G>C on transcript NM_000318.3 (MANE Select); coding-DNA position 573, G replaced by C.
Protein change: p.Met191Ile; replaces methionine 191 with isoleucine.
Molecular consequence: missense variant.
Genome position (GRCh38, 1-based): chr8:76,983,606, C>G on the plus strand (G>C on the coding strand, the complement: PEX2 is on the minus strand). VCF-style: chr8-76983606-C-G. GRCh37 (hg19) VCF-style: chr8-77895842-C-G.
Other names: c.573G>C, p.Met191Ile (NM_001079867.2, NM_001172086.2, NM_001172087.2); short protein forms M191I.
Identifiers: ClinVar variation 1376196 (VCV001376196.6), dbSNP rs2132043654, ClinGen allele CA371557047.